The following is an entry in ClinVar:

ClinVar aggregate classification (germline): Benign/Likely benign. Review status: criteria provided, multiple submitters, no conflicts (2 of 4 stars). 3 submissions from 3 submitters: Benign (1); Likely benign (1). 1 of the submissions does not count toward it. Last evaluated 2026-01-05.

Conditions:
NEDD4L-related disorder. Also called: NEDD4L-related condition.
Periventricular nodular heterotopia 7 (PVNH7). Identifiers: MedGen C4310669, MONDO:0014966, OMIM 617201.

Allele frequency attached by ClinVar (database versions not stated): gnomAD 0.00003; TOPMed 0.00016; ESP Exome Variant Server 0.00025.
gnomAD v4.1: 51 of 1,582,842 alleles (0.0032%); highest among the groups gnomAD compares: African/African-American, 0.061%; no homozygotes.

Submissions (3):

Labcorp Genetics (formerly Invitae), Labcorp
Classification: Benign. Last evaluated: 2026-01-05. Review status: criteria provided, single submitter. Criteria: Invitae Variant Classification Sherloc (09022015). Collection method: clinical testing. Allele origin: germline.

Fulgent Genetics
Classification: Likely benign for Periventricular nodular heterotopia 7. Last evaluated: 2021-07-30. Review status: criteria provided, single submitter. Criteria: ACMG Guidelines, 2015. Collection method: clinical testing. Allele origin: unknown.

PreventionGenetics, part of Exact Sciences
Classification: Likely benign for NEDD4L-related condition. Last evaluated: 2023-12-04. Review status: no assertion criteria provided. Collection method: clinical testing. Allele origin: germline. Not counted in ClinVar's aggregate classification.
Comment: This variant is classified as likely benign based on ACMG/AMP sequence variant interpretation guidelines (Richards et al. 2015 PMID: 25741868, with internal and published modifications).

NM_001144967.3(NEDD4L):c.1654-10C>G

Gene: NEDD4L (NEDD4 like E3 ubiquitin protein ligase; plus strand). Cytogenetic location: 18q21.31.
Variant type: single nucleotide variant.
Coding change: c.1654-10C>G on transcript NM_001144967.3 (MANE Select); 10 bases into the intron before coding-DNA position 1654, C replaced by G.
Molecular consequence: intron variant.
Genome position (GRCh38, 1-based): chr18:58,350,981, C>G. VCF-style: chr18-58350981-C-G. GRCh37 (hg19) VCF-style: chr18-56018213-C-G.
Other names: c.1594-10C>G (NM_015277.6); c.1462-10C>G (NM_001243960.2); c.1291-10C>G (NM_001144964.1, NM_001144965.2, NM_001144966.3); c.1231-10C>G (NM_001144971.2, NM_001144970.3); c.1630-10C>G (NM_001144968.2); c.1570-10C>G (NM_001144969.2).
Identifiers: ClinVar variation 649977 (VCV000649977.13), dbSNP rs373387102, ClinGen allele CA8975763.